The following is an entry in ClinVar:

NM_018319.4(TDP1):c.1019A>G (p.Asp340Gly)

Gene: TDP1 (tyrosyl-DNA phosphodiesterase 1; plus strand). Cytogenetic location: 14q32.11.
Variant type: single nucleotide variant.
Coding change: c.1019A>G on transcript NM_018319.4 (MANE Select); coding-DNA position 1019, A replaced by G.
Protein change: p.Asp340Gly; replaces aspartic acid 340 with glycine.
Molecular consequence: missense variant.
Genome position (GRCh38, 1-based): chr14:89,984,650, A>G. VCF-style: chr14-89984650-A-G. GRCh37 (hg19) VCF-style: chr14-90450994-A-G.
Other names: c.1019A>G, p.Asp340Gly (NM_001008744.2, NM_001330205.2); short protein forms D340G.
Identifiers: ClinVar variation 4986569 (VCV004986569.1).
Genomic context (GRCh38, chr14:89,984,650, plus strand): 5'-AAGCTGATCTCATCAGTTACTTGATGGCTTATAATGCCCCTTCTCTCAAGGAGTGGATAG[A>G]TGTCATTCACAAGCACGATCTCTCTGAAACAAAGTATGTGTCAGCTTATCAATTTGGGGT-3'
Protein context (NP_060789.2, residues 330-350): YNAPSLKEWI[Asp340Gly]VIHKHDLSET

ClinVar aggregate classification (germline): Uncertain significance (1 of 4 stars; one submission).

Conditions:
TDP1-related disorder. Also called: TDP1-related condition.

gnomAD v4.1: 8 of 1,613,978 alleles (0.0005%); highest among the groups gnomAD compares: Non-Finnish European, 0.00068%; no homozygotes.

Submission:

PreventionGenetics, part of Exact Sciences
Classification: Uncertain significance for TDP1-related condition. Last evaluated: 2026-02-13. Review status: criteria provided, single submitter. Criteria: ACMG Guidelines, 2015. Collection method: clinical testing. Allele origin: germline.
Comment: The TDP1 c.1019A>G variant is predicted to result in the amino acid substitution p.Asp340Gly. To our knowledge, this variant has not been reported in the literature. This variant is reported in 0.00088% of alleles in individuals of European (Non-Finnish) descent in gnomAD. At this time, the clinical significance of this variant is uncertain due to the absence of conclusive functional and genetic evidence.